The following is an entry in ClinVar:

NM_001482.3(GATM):c.1226C>T (p.Thr409Ile)

Gene: GATM (glycine amidinotransferase; minus strand). Cytogenetic location: 15q21.1.
Variant type: single nucleotide variant.
Coding change: c.1226C>T on transcript NM_001482.3 (MANE Select); coding-DNA position 1226, C replaced by T.
Protein change: p.Thr409Ile; replaces threonine 409 with isoleucine.
Molecular consequence: missense variant.
Genome position (GRCh38, 1-based): chr15:45,362,155, G>A on the plus strand (C>T on the coding strand, the complement: GATM is on the minus strand). VCF-style: chr15-45362155-G-A. GRCh37 (hg19) VCF-style: chr15-45654353-G-A.
Other names: c.839C>T, p.Thr280Ile (NM_001321015.2); short protein forms T280I, T409I.
Identifiers: ClinVar variation 4883155 (VCV004883155.2).
Genomic context (GRCh38, chr15:45,362,155, plus strand): 5'-TCCATCAGGCCTGTTCAGTCCAAGTAGGACTGTAAGGTGCCTCGGCGCCGGACATCGCAG[G>A]TCCAGCAATGGAAGCCTCCTCCCAGGGAATTGGCATTACGAATGTTAACTTTAATGGTAG-3'
Protein context (NP_001473.1, residues 399-419): NSLGGGFHCW[Thr409Ile]CDVRRRGTLQ

ClinVar aggregate classification (germline): Uncertain significance (1 of 4 stars; one submission).

Submission:

Dasa
Classification: Uncertain significance. Last evaluated: 2024-12-11. Review status: criteria provided, single submitter. Criteria: DASA Assertion Criteria. Collection method: clinical testing. Allele origin: germline.
Comment: NM_001482.3(GATM):c.1226C>T (p.Thr409Ile) is a missense variant that results in the substitution of threonine with isoleucine. This variant is absent from population databases. Computational prediction algorithms are consistent with a deleterious effect. The currently available literature and clinical evidence are not sufficient to establish a definitive association between this variant and the reported condition. Therefore, this variant is classified as a variant of uncertain significance.